The following is an entry in ClinVar:

NM_004946.3(DOCK2):c.4378G>A (p.Ala1460Thr)

Gene: DOCK2 (dedicator of cytokinesis 2; plus strand). Cytogenetic location: 5q35.1.
Variant type: single nucleotide variant.
Coding change: c.4378G>A on transcript NM_004946.3 (MANE Select); coding-DNA position 4378, G replaced by A.
Protein change: p.Ala1460Thr; replaces alanine 1460 with threonine.
Molecular consequence: missense variant. On other transcripts: non-coding transcript variant (1).
Genome position (GRCh38, 1-based): chr5:170,056,766, G>A. VCF-style: chr5-170056766-G-A. GRCh37 (hg19) VCF-style: chr5-169483770-G-A.
Other names: c.4378G>A, p.Ala1460Thr (LRG_1227t1); short protein forms A1460T.
Identifiers: ClinVar variation 542608 (VCV000542608.8), dbSNP rs1554128971, ClinGen allele CA362110776.
Genomic context (GRCh38, chr5:170,056,766, plus strand): 5'-CAAAGGTTCCACTACTCCCGGCCCGTGCGCAGGGGGACCGTAGACCCAGAGAATGAGTTT[G>A]CTGTGAGTATCTTCCCTACCCTTGATCATTCCCTGGAGCCACCTGGAGGAACCAGAGCAT-3'
Protein context (NP_004937.1, residues 1450-1470): RGTVDPENEF[Ala1460Thr]SMWIERTSFV

ClinVar aggregate classification (germline): Uncertain significance (1 of 4 stars; one submission).

Conditions:
DOCK2 deficiency. Also called: Immunodeficiency 40. Identifiers: Orphanet 447737, MedGen C4225328, MONDO:0014637, OMIM 616433.

Submission:

Labcorp Genetics (formerly Invitae), Labcorp
Classification: Uncertain significance for DOCK2 deficiency. Last evaluated: 2017-09-24. Review status: criteria provided, single submitter. Criteria: Invitae Variant Classification Sherloc (09022015). Collection method: clinical testing. Allele origin: germline.
Comment: This sequence change replaces alanine with threonine at codon 1460 of the DOCK2 protein (p.Ala1460Thr). The alanine residue is moderately conserved and there is a small physicochemical difference between alanine and threonine. This variant is not present in population databases (ExAC no frequency). This variant has not been reported in the literature in individuals with DOCK2-related disease. Algorithms developed to predict the effect of missense changes on protein structure and function (SIFT, PolyPhen-2, Align-GVGD) all suggest that this variant is likely to be tolerated, but these predictions have not been confirmed by published functional studies and their clinical significance is uncertain. In summary, the available evidence is currently insufficient to determine the role of this variant in disease. Therefore, it has been classified as a Variant of Uncertain Significance.